The following is an entry in ClinVar:

ClinVar aggregate classification (germline): Uncertain significance (1 of 4 stars; one submission).

Conditions:
Neurofibromatosis, type 1 (NF1). Also called: VON RECKLINGHAUSEN DISEASE; Peripheral type neurofibromatosis; Neurofibromatosis, type I; NEUROFIBROMATOSIS, TYPE I, SOMATIC. Identifiers: Orphanet 636, MedGen C0027831, MONDO:0018975, OMIM 162200. Disease mechanism: loss of function.

Submission:

Labcorp Genetics (formerly Invitae), Labcorp
Classification: Uncertain significance for Neurofibromatosis, type 1. Last evaluated: 2022-03-17. Review status: criteria provided, single submitter. Criteria: Invitae Variant Classification Sherloc (09022015). Collection method: clinical testing. Allele origin: germline.
Comment: This sequence change replaces leucine, which is neutral and non-polar, with arginine, which is basic and polar, at codon 506 of the NF1 protein (p.Leu506Arg). This variant is not present in population databases (gnomAD no frequency). This variant has not been reported in the literature in individuals affected with NF1-related conditions. Advanced modeling of protein sequence and biophysical properties (such as structural, functional, and spatial information, amino acid conservation, physicochemical variation, residue mobility, and thermodynamic stability) performed at Invitae indicates that this missense variant is expected to disrupt NF1 protein function. In summary, the available evidence is currently insufficient to determine the role of this variant in disease. Therefore, it has been classified as a Variant of Uncertain Significance.

NM_001042492.3(NF1):c.1517T>G (p.Leu506Arg)

Gene: NF1 (neurofibromin 1; plus strand). Cytogenetic location: 17q11.2.
Variant type: single nucleotide variant.
Coding change: c.1517T>G on transcript NM_001042492.3 (MANE Select); coding-DNA position 1517, T replaced by G.
Protein change: p.Leu506Arg; replaces leucine 506 with arginine.
Molecular consequence: missense variant.
Genome position (GRCh38, 1-based): chr17:31,214,575, T>G. VCF-style: chr17-31214575-T-G. GRCh37 (hg19) VCF-style: chr17-29541593-T-G.
Other names: c.1517T>G, p.Leu506Arg (NM_000267.4, NM_001128147.3); short protein forms L506R.
Identifiers: ClinVar variation 1986944 (VCV001986944.4), dbSNP rs2544829901, ClinGen allele CA399001690.
Genomic context (GRCh38, chr17:31,214,575, plus strand): 5'-CAAGAAGCTATAAGTATCTTCTCTTGTCCATGGTGAAACTAATTCATGCAGATCCAAAGC[T>G]CTTGCTTTGTGTAAGTATTTTTTTATGAAATGTCTCAAAATTATCACACTAAGTTAATTG-3'
Protein context (NP_001035957.1, residues 496-516): MVKLIHADPK[Leu506Arg]LLCNPRKQGP